The following is an entry in ClinVar:

ClinVar aggregate classification (germline): Uncertain significance (1 of 4 stars; one submission).

Submission:

Labcorp Genetics (formerly Invitae), Labcorp
Classification: Uncertain significance. Last evaluated: 2022-06-30. Review status: criteria provided, single submitter. Criteria: Invitae Variant Classification Sherloc (09022015). Collection method: clinical testing. Allele origin: germline.
Comment: In summary, the available evidence is currently insufficient to determine the role of this variant in disease. Therefore, it has been classified as a Variant of Uncertain Significance. Algorithms developed to predict the effect of missense changes on protein structure and function are either unavailable or do not agree on the potential impact of this missense change (SIFT: "Deleterious"; PolyPhen-2: "Probably Damaging"; Align-GVGD: "Class C0"). This variant has not been reported in the literature in individuals affected with SKIV2L-related conditions. This variant is not present in population databases (gnomAD no frequency). This sequence change replaces lysine, which is basic and polar, with glutamic acid, which is acidic and polar, at codon 363 of the SKIV2L protein (p.Lys363Glu).

NM_006929.5(SKIC2):c.1087A>G (p.Lys363Glu)

Genes: SKIC2 (SKI2 subunit of superkiller complex; plus strand), LOC126859653 (CDK7 strongly-dependent group 2 enhancer GRCh37_chr6:31929542-31930741; plus strand). Cytogenetic location: 6p21.33.
Variant type: single nucleotide variant.
Coding change: c.1087A>G on transcript NM_006929.5 (MANE Select); coding-DNA position 1087, A replaced by G.
Protein change: p.Lys363Glu; replaces lysine 363 with glutamic acid.
Molecular consequence: missense variant.
Genome position (GRCh38, 1-based): chr6:31,962,461, A>G. VCF-style: chr6-31962461-A-G. GRCh37 (hg19) VCF-style: chr6-31930238-A-G.
Other names: short protein forms K363E.
Identifiers: ClinVar variation 2012426 (VCV002012426.4), dbSNP rs2482920923, ClinGen allele CA363450320.
Genomic context (GRCh38, chr6:31,962,461, plus strand): 5'-CTGCGGAGGGACTGGCTAACTTCATGCTCTCTTCCCAGCACCATCTACACTTCGCCCATC[A>G]AGGCCCTGAGCAACCAGAAGTTCCGGGACTTCCGAAACACATTCGGGGATGTGGGGCTGC-3'
Protein context (NP_008860.4, residues 353-373): MTRTIYTSPI[Lys363Glu]ALSNQKFRDF